The following is an entry in ClinVar:

ClinVar aggregate classification (germline): Pathogenic/Likely pathogenic. Review status: criteria provided, multiple submitters, no conflicts (2 of 4 stars). 4 submissions from 4 submitters: Pathogenic (3); Likely pathogenic (1). Last evaluated 2023-04-27.

Conditions:
MYBPC3-related disorder. Also called: MYBPC3-related condition; MYBPC3-related disease; MYBPC3-related disorders.
Hypertrophic cardiomyopathy. Also called: HYPERTROPHIC MYOCARDIOPATHY. Identifiers: Orphanet 217569, MedGen C0007194, MeSH D002312, MONDO:0005045, HP:0001639.

Allele frequency attached by ClinVar (database versions not stated): gnomAD exomes below 0.00001.
gnomAD v4.1: 1 of 1,590,524 alleles (0.000063%); highest among the groups gnomAD compares: Admixed American, 0.0017%; no homozygotes.

Submissions (4):

Mayo Clinic Laboratories, Mayo Clinic
Classification: Likely pathogenic. Last evaluated: 2023-04-27. Review status: criteria provided, single submitter. Criteria: ACMG Guidelines, 2015. Collection method: clinical testing. Allele origin: germline. Observed: 1 variant allele.
Comment: PS4_moderate, PVS1

Blueprint Genetics
Classification: Pathogenic for MYBPC3-related disorders. Last evaluated: 2023-04-19. Review status: criteria provided, single submitter. Criteria: ACMG Guidelines, 2015. Collection method: clinical testing. Allele origin: germline. Affected: yes. Observed: 1 variant allele.

Labcorp Genetics (formerly Invitae), Labcorp
Classification: Pathogenic for Hypertrophic cardiomyopathy. Last evaluated: 2023-01-14. Review status: criteria provided, single submitter. Criteria: Invitae Variant Classification Sherloc (09022015). Collection method: clinical testing. Allele origin: germline.
Comment: This sequence change affects an acceptor splice site in intron 28 of the MYBPC3 gene. It is expected to disrupt RNA splicing. Variants that disrupt the donor or acceptor splice site typically lead to a loss of protein function (PMID: 16199547), and loss-of-function variants in MYBPC3 are known to be pathogenic (PMID: 19574547). This variant is present in population databases (rs730880584, gnomAD 0.003%). Disruption of this splice site has been observed in individuals with hypertrophic cardiomyopathy (PMID: 25132132, 27532257, 33190526). ClinVar contains an entry for this variant (Variation ID: 180995). Algorithms developed to predict the effect of sequence changes on RNA splicing suggest that this variant may disrupt the consensus splice site. For these reasons, this variant has been classified as Pathogenic.

GeneDx
Classification: Pathogenic. Last evaluated: 2017-05-24. Review status: criteria provided, single submitter. Criteria: GeneDx Variant Classification (06012015). Collection method: clinical testing. Allele origin: germline. Affected: yes.
Comment: Although the c.2995-1 G>A variant has not been reported as a disease-causing mutation or as a benign polymorphism to our knowledge, this variant destroys the canonical splice acceptor site in intron 28 and is predicted to cause abnormal gene splicing. The variant is predicted to lead to either an abnormal message that is subject to nonsense-mediated mRNA decay, or to an abnormal protein product if the message is used for protein translation. Other splice site mutations in the MYBPC3 gene have been reported in association with HCM. In summary, c.2995-1 G>A in the MYBPC3 gene is interpreted as a disease-causing variant

Literature cited by the submitters: PubMed 25132132 (cited by Mayo Clinic Laboratories, Mayo Clinic and Labcorp Genetics (formerly Invitae), Labcorp); PubMed 27532257 (cited by Mayo Clinic Laboratories, Mayo Clinic and Labcorp Genetics (formerly Invitae), Labcorp); PubMed 33190526 (cited by Mayo Clinic Laboratories, Mayo Clinic and Labcorp Genetics (formerly Invitae), Labcorp); PubMed 16199547 (cited by Labcorp Genetics (formerly Invitae), Labcorp); PubMed 19574547 (cited by Labcorp Genetics (formerly Invitae), Labcorp).

NM_000256.3(MYBPC3):c.2995-1G>A

Gene: MYBPC3 (myosin binding protein C3; minus strand). Cytogenetic location: 11p11.2.
Variant type: single nucleotide variant.
Coding change: c.2995-1G>A on transcript NM_000256.3 (MANE Select); the canonical splice acceptor site of the intron before coding-DNA position 2995, G replaced by A.
Molecular consequence: splice acceptor variant.
Genome position (GRCh38, 1-based): chr11:47,333,753, C>T on the plus strand (G>A on the coding strand, the complement: MYBPC3 is on the minus strand). VCF-style: chr11-47333753-C-T. GRCh37 (hg19) VCF-style: chr11-47355304-C-T.
Identifiers: ClinVar variation 180995 (VCV000180995.7), dbSNP rs730880584, ClinGen allele CA013288.